The following is an entry in ClinVar:

ClinVar aggregate classification (germline): Uncertain significance (1 of 4 stars; one submission).

Conditions:
Leigh syndrome (NULS). Also called: Leigh's necrotizing encephalopathy; Leigh's disease; Leigh Syndrome (mtDNA deletion); Leigh Disease; Subacute necrotizing encephalopathy; Necrotizing encephalopathy infantile subacute of Leigh. Identifiers: Orphanet 506, MedGen C2931891, MONDO:0009723, OMIM 256000.

Submission:

Wong Mito Lab, Molecular and Human Genetics, Baylor College of Medicine
Classification: Uncertain significance for Leigh syndrome. Last evaluated: 2019-10-17. Review status: criteria provided, single submitter. Criteria: Modified ACMG Guidelines (Unpublished). Collection method: clinical testing. Allele origin: germline.
Comment: The NC_012920.1:m.12501G>C (YP_003024036.1:p.Met55Ile) variant in MTND5 gene is interpretated to be a Uncertain Significance variant based on the modified ACMG guidelines (unpublished). This variant meets the following evidence codes: BP4

NC_012920.1(MT-ND5):m.12501G>C

Gene: MT-ND5 (mitochondrially encoded NADH dehydrogenase 5; plus strand).
Variant type: single nucleotide variant.
Genome position: chrM-12501-G-C.
Identifiers: ClinVar variation 693454 (VCV000693454.1), dbSNP rs28397767, ClinGen allele CA414813456.